The following is an entry in ClinVar:

ClinVar aggregate classification (germline): Uncertain significance (1 of 4 stars; one submission).

Conditions:
Primary ciliary dyskinesia 27. Also called: CILIARY DYSKINESIA, PRIMARY, 27, WITHOUT SITUS INVERSUS. Identifiers: Orphanet 244, MedGen C3809701, MONDO:0014215, OMIM 615504.

Allele frequency attached by ClinVar (database versions not stated): ExAC 0.00002; gnomAD exomes 0.00002 and 0.00004; gnomAD 0.00003 and 0.00005; TOPMed 0.00005.
gnomAD v4.1: 19 of 1,614,232 alleles (0.0012%); highest among the groups gnomAD compares: Admixed American, 0.022%; no homozygotes.

Submission:

Labcorp Genetics (formerly Invitae), Labcorp
Classification: Uncertain significance for Primary ciliary dyskinesia 27. Last evaluated: 2021-09-01. Review status: criteria provided, single submitter. Criteria: Invitae Variant Classification Sherloc (09022015). Collection method: clinical testing. Allele origin: germline.
Comment: This sequence change replaces asparagine with serine at codon 429 of the CCDC65 protein (p.Asn429Ser). The asparagine residue is highly conserved and there is a small physicochemical difference between asparagine and serine. This variant is present in population databases (rs772183527, ExAC 0.01%). This variant has not been reported in the literature in individuals affected with CCDC65-related conditions. Algorithms developed to predict the effect of missense changes on protein structure and function output the following: SIFT: "Tolerated"; PolyPhen-2: "Possibly Damaging"; Align-GVGD: "Class C0". The serine amino acid residue is found in multiple mammalian species, which suggests that this missense change does not adversely affect protein function. In summary, the available evidence is currently insufficient to determine the role of this variant in disease. Therefore, it has been classified as a Variant of Uncertain Significance.

NM_033124.5(DRC2):c.1286A>G (p.Asn429Ser)

Gene: DRC2 (dynein regulatory complex subunit 2; plus strand). Cytogenetic location: 12q13.12.
Variant type: single nucleotide variant.
Coding change: c.1286A>G on transcript NM_033124.5 (MANE Select); coding-DNA position 1286, A replaced by G.
Protein change: p.Asn429Ser; replaces asparagine 429 with serine.
Molecular consequence: missense variant.
Genome position (GRCh38, 1-based): chr12:48,921,274, A>G. VCF-style: chr12-48921274-A-G. GRCh37 (hg19) VCF-style: chr12-49315057-A-G.
Other names: c.857A>G, p.Asn286Ser (NM_001286957.2); short protein forms N429S, N286S.
Identifiers: ClinVar variation 965651 (VCV000965651.6), dbSNP rs772183527, ClinGen allele CA6543487.